The following is an entry in ClinVar:

NM_014141.6(CNTNAP2):c.479G>A (p.Arg160His)

Gene: CNTNAP2 (contactin associated protein 2; plus strand). Cytogenetic location: 7q35.
Variant type: single nucleotide variant.
Coding change: c.479G>A on transcript NM_014141.6 (MANE Select); coding-DNA position 479, G replaced by A.
Protein change: p.Arg160His; replaces arginine 160 with histidine.
Molecular consequence: missense variant.
Genome position (GRCh38, 1-based): chr7:147,043,983, G>A. VCF-style: chr7-147043983-G-A. GRCh37 (hg19) VCF-style: chr7-146741075-G-A.
Other names: p.R160H:CGC>CAC; short protein forms R160H.
Identifiers: ClinVar variation 95574 (VCV000095574.31), dbSNP rs138738227, ClinGen allele CA223107.

ClinVar aggregate classification (germline): Uncertain significance. Review status: criteria provided, multiple submitters, no conflicts (2 of 4 stars). 10 submissions from 10 submitters: Uncertain significance (10). Last evaluated 2026-02-02.

Conditions:
Inborn genetic diseases. Identifiers: MedGen C0950123, MeSH D030342.
Autism, susceptibility to, 15. Also called: Autism susceptibility 15. Identifiers: MedGen C2677504, MONDO:0012801, OMIM 612100.
Cortical dysplasia-focal epilepsy syndrome (PTHSL1). Also called: Pitt-Hopkins-like syndrome 1. Identifiers: Orphanet 163681, Orphanet 221150, MedGen C2750246, MONDO:0012400, OMIM 610042.

Allele frequency attached by ClinVar (database versions not stated): 1000 Genomes Project 0.00040; ESP Exome Variant Server 0.00038; 1000 Genomes Project 30x 0.00047; TOPMed 0.00049; gnomAD 0.00048; ExAC 0.00049.
gnomAD v4.1: 967 of 1,614,166 alleles (0.06%); highest among the groups gnomAD compares: Non-Finnish European, 0.073%; no homozygotes.

Submissions (10):

Labcorp Genetics (formerly Invitae), Labcorp
Classification: Uncertain significance for Cortical dysplasia-focal epilepsy syndrome. Last evaluated: 2026-02-02. Review status: criteria provided, single submitter. Criteria: Invitae Variant Classification Sherloc (09022015). Collection method: clinical testing. Allele origin: germline.
Comment: This sequence change replaces arginine, which is basic and polar, with histidine, which is basic and polar, at codon 160 of the CNTNAP2 protein (p.Arg160His). This variant is present in population databases (rs138738227, gnomAD 0.07%), and has an allele count higher than expected for a pathogenic variant. This variant has not been reported in the literature in individuals affected with CNTNAP2-related conditions. ClinVar contains an entry for this variant (Variation ID: 95574). An algorithm developed to predict the effect of missense changes on protein structure and function (PolyPhen-2) suggests that this variant is likely to be disruptive. In summary, the available evidence is currently insufficient to determine the role of this variant in disease. Therefore, it has been classified as a Variant of Uncertain Significance.

Women's Health and Genetics/Laboratory Corporation of America, LabCorp
Classification: Uncertain significance. Last evaluated: 2025-05-05. Review status: criteria provided, single submitter. Criteria: LabCorp Variant Classification Summary - May 2015. Collection method: clinical testing. Allele origin: germline.
Comment: Variant summary: CNTNAP2 c.479G>A (p.Arg160His) results in a non-conservative amino acid change in the encoded protein sequence. Algorithms developed to predict the effect of missense changes on protein structure and function all suggest that this variant is likely to be disruptive. The variant allele was found at a frequency of 0.00045 in 251456 control chromosomes. This frequency is not significantly higher than estimated for a pathogenic variant in CNTNAP2 causing Autism, Susceptibility To, 15, allowing no conclusion about variant significance. To our knowledge, no occurrence of c.479G>A in individuals affected with Autism, Susceptibility To, 15 and no experimental evidence demonstrating its impact on protein function have been reported. ClinVar contains an entry for this variant (Variation ID: 95574). Based on the evidence outlined above, the variant was classified as uncertain significance.

Blueprint Genetics
Classification: Uncertain significance. Last evaluated: 2024-11-25. Review status: criteria provided, single submitter. Criteria: ACMG Guidelines, 2015. Collection method: clinical testing. Allele origin: germline.

GeneDx
Classification: Uncertain significance. Last evaluated: 2024-08-16. Review status: criteria provided, single submitter. Criteria: GeneDx Variant Classification Process June 2021. Collection method: clinical testing. Allele origin: germline. Affected: yes.
Comment: In silico analysis supports that this missense variant has a deleterious effect on protein structure/function; This variant is associated with the following publications: (PMID: Paliotti_2022_Thesis, 37046053, 31999386, 26350204)

Ambry Genetics
Classification: Uncertain significance for Inborn genetic diseases. Last evaluated: 2023-06-27. Review status: criteria provided, single submitter. Criteria: Ambry Variant Classification Scheme 2023. Collection method: clinical testing. Allele origin: germline.

Fulgent Genetics
Classification: Uncertain significance for Cortical dysplasia-focal epilepsy syndrome; Autism, susceptibility to, 15. Last evaluated: 2021-09-09. Review status: criteria provided, single submitter. Criteria: ACMG Guidelines, 2015. Collection method: clinical testing. Allele origin: unknown.

New York Genome Center
Classification: Uncertain significance for Cortical dysplasia-focal epilepsy syndrome. Last evaluated: 2021-06-04. Review status: criteria provided, single submitter. Criteria: NYGC Assertion Criteria 2020. Collection method: clinical testing. Allele origin: germline. Observed: 1 homozygote. Study: CSER-NYCKidSeq.
Comment: The homozygous c.479G>A (p.Arg160His) variant identified in the CNTNAP2 gene substitutes a well conserved Arginine for Histidine at amino acid 160/1332 (exon 4/24). This variant is found with low frequency in gnomAD (73 heterozygotes, 0 homozygotes; allele frequency: 4.80e-4) suggesting it is not a common benign variant in the populations represented in that database. In silico algorithms predict this variant to be Damaging (SIFT; score:0.001) and Pathogenic (REVEL; score: 0.9419) to the function of the canonical transcript. This variant is reported as a Variant of Uncertain Significance in ClinVar (VarID:95574), and was identified in heterozygous state in two individuals with intellectual disability, although a second CNTNAP2 variant was not reported [Supp Table S2; PMID:26350204] leaving its clinical significance uncertain. The p.Arg160His residue is within the F5/8 type C domain of CNTNAP2 (UniProtKB:Q9UHC6). Given the lack of compelling evidence for its pathogenicity, the homozygous c.479G>A (p.Arg160His) variant identified in the CNTNAP2 gene is reported as a Variant ofUncertain Significance.

Athena Diagnostics
Classification: Uncertain significance. Last evaluated: 2019-08-06. Review status: criteria provided, single submitter. Criteria: Athena Diagnostics Criteria. Collection method: clinical testing. Allele origin: germline.

Genetic Services Laboratory, University of Chicago
Classification: Uncertain significance. Last evaluated: 2017-03-15. Review status: criteria provided, single submitter. Criteria: ACMG Guidelines, 2015. Collection method: clinical testing. Allele origin: germline. Affected: no.

Eurofins Ntd Llc (ga)
Classification: Uncertain significance. Last evaluated: 2017-01-10. Review status: criteria provided, single submitter. Criteria: EGL Classification Definitions 2015. Collection method: clinical testing. Allele origin: germline. Observed: 4 variant alleles, 4 heterozygotes.

Literature cited by the submitters: PubMed 31999386 (cited by Ambry Genetics); PubMed 37046053 (cited by Ambry Genetics).